The following is an entry in ClinVar:

ClinVar aggregate classification (germline): Uncertain significance (1 of 4 stars; one submission).

Conditions:
Hereditary cancer-predisposing syndrome. Also called: Neoplastic Syndromes, Hereditary; Hereditary Cancer Syndrome; Tumor predisposition; Hereditary neoplastic syndrome. Identifiers: Orphanet 140162, MedGen C0027672, MeSH D009386, MONDO:0015356.

Submission:

Color Diagnostics, LLC DBA Color Health
Classification: Uncertain significance for Hereditary cancer-predisposing syndrome. Last evaluated: 2023-12-05. Review status: criteria provided, single submitter. Criteria: ACMG Guidelines, 2015. Collection method: clinical testing. Allele origin: germline.
Comment: This missense variant replaces serine with glycine at codon 865 of the ATM protein. Computational prediction tools and conservation analyses suggest that this variant may not impact the protein function. Computational splicing tools suggest that this variant may not impact RNA splicing. To our knowledge, functional assays have not been performed for this variant nor has this variant been reported in individuals affected with hereditary cancer in the literature. This variant has not been identified in the general population by the Genome Aggregation Database (gnomAD). Available evidence is insufficient to determine the role of this variant in disease conclusively. Therefore, this variant is classified as a Variant of Uncertain Significance.

NM_000051.4(ATM):c.2593A>G (p.Ser865Gly)

Gene: ATM (ATM serine/threonine kinase; plus strand). Cytogenetic location: 11q22.3.
Variant type: single nucleotide variant.
Coding change: c.2593A>G on transcript NM_000051.4 (MANE Select); coding-DNA position 2593, A replaced by G.
Protein change: p.Ser865Gly; replaces serine 865 with glycine.
Molecular consequence: missense variant.
Genome position (GRCh38, 1-based): chr11:108,267,297, A>G. VCF-style: chr11-108267297-A-G. GRCh37 (hg19) VCF-style: chr11-108138024-A-G.
Other names: c.2593A>G, p.Ser865Gly (NM_001351834.2); short protein forms S865G.
Identifiers: ClinVar variation 927771 (VCV000927771.5), dbSNP rs2081310612, ClinGen allele CA382544040.